The following is an entry in ClinVar:

NM_000256.3(MYBPC3):c.2905+2T>C

Gene: MYBPC3 (myosin binding protein C3; minus strand). Cytogenetic location: 11p11.2.
Variant type: single nucleotide variant.
Coding change: c.2905+2T>C on transcript NM_000256.3 (MANE Select); the canonical splice donor site of the intron after coding-DNA position 2905, T replaced by C.
Molecular consequence: splice donor variant.
Genome position (GRCh38, 1-based): chr11:47,335,040, A>G on the plus strand (T>C on the coding strand, the complement: MYBPC3 is on the minus strand). VCF-style: chr11-47335040-A-G. GRCh37 (hg19) VCF-style: chr11-47356591-A-G.
Identifiers: ClinVar variation 2137070 (VCV002137070.4), dbSNP rs2095880858, ClinGen allele CA380316184.

ClinVar aggregate classification (germline): Pathogenic (1 of 4 stars; one submission).

Conditions:
Hypertrophic cardiomyopathy. Also called: HYPERTROPHIC MYOCARDIOPATHY. Identifiers: Orphanet 217569, MedGen C0007194, MeSH D002312, MONDO:0005045, HP:0001639.

Allele frequency attached by ClinVar (database versions not stated): gnomAD exomes below 0.00001.

Submission:

Labcorp Genetics (formerly Invitae), Labcorp
Classification: Pathogenic for Hypertrophic cardiomyopathy. Last evaluated: 2022-05-02. Review status: criteria provided, single submitter. Criteria: Invitae Variant Classification Sherloc (09022015). Collection method: clinical testing. Allele origin: germline.
Comment: This variant is not present in population databases (gnomAD no frequency). This sequence change affects a donor splice site in intron 27 of the MYBPC3 gene. It is expected to disrupt RNA splicing. Variants that disrupt the donor or acceptor splice site typically lead to a loss of protein function (PMID: 16199547), and loss-of-function variants in MYBPC3 are known to be pathogenic (PMID: 19574547). Disruption of this splice site has been observed in individuals with hypertrophic cardiomyopathy (PMID: 21302287, 21959974, 30550750). For these reasons, this variant has been classified as Pathogenic. Algorithms developed to predict the effect of sequence changes on RNA splicing suggest that this variant may disrupt the consensus splice site.

Literature cited by the submitters: PubMed 16199547; PubMed 19574547; PubMed 21302287; PubMed 21959974; PubMed 30550750.